The following is an entry in ClinVar:

ClinVar aggregate classification (germline): Likely benign. Review status: criteria provided, single submitter (1 of 4 stars). 2 submissions from 2 submitters: Likely benign (1). 1 of the submissions does not count toward it. Last evaluated 2025-10-08.

Conditions:
SLCO2A1-related disorder. Also called: SLCO2A1-related condition.

gnomAD v4.1: 28 of 1,613,978 alleles (0.0017%); highest among the groups gnomAD compares: East Asian, 0.02%; no homozygotes.

Submissions (2):

Labcorp Genetics (formerly Invitae), Labcorp
Classification: Likely benign. Last evaluated: 2025-10-08. Review status: criteria provided, single submitter. Criteria: Invitae Variant Classification Sherloc (09022015). Collection method: clinical testing. Allele origin: germline.

PreventionGenetics, part of Exact Sciences
Classification: Likely benign for SLCO2A1-related condition. Last evaluated: 2024-09-18. Review status: no assertion criteria provided. Collection method: clinical testing. Allele origin: germline. Not counted in ClinVar's aggregate classification.
Comment: This variant is classified as likely benign based on ACMG/AMP sequence variant interpretation guidelines (Richards et al. 2015 PMID: 25741868, with internal and published modifications).

NM_005630.3(SLCO2A1):c.744G>A (p.Pro248=)

Gene: SLCO2A1 (solute carrier organic anion transporter family member 2A1; minus strand). Cytogenetic location: 3q22.1.
Variant type: single nucleotide variant.
Coding change: c.744G>A on transcript NM_005630.3 (MANE Select); coding-DNA position 744, G replaced by A.
Protein change: p.Pro248=; no amino-acid change (proline 248 retained).
Molecular consequence: synonymous variant.
Genome position (GRCh38, 1-based): chr3:133,951,325, C>T on the plus strand (G>A on the coding strand, the complement: SLCO2A1 is on the minus strand). VCF-style: chr3-133951325-C-T. GRCh37 (hg19) VCF-style: chr3-133670169-C-T.
Other names: c.744G>A (NM_005630.2).
Identifiers: ClinVar variation 1470624 (VCV001470624.9), dbSNP rs556416557, ClinGen allele CA2626715.
Genomic context (GRCh38, chr3:133,951,325, plus strand): 5'-CAATAAAGCTGAAGAAATGAGCAGGCCTAGCCACCAGGCTCCAATCCATCGGGGGTCACC[C>T]GGGACCAAGTTAACTGCAGCTGAAGAGAAAACGAAGAGTGCAAATGTTTGTTGAATGCAT-3'
Protein context (NP_005621.2, residues 238-258): RVNTAAVNLV[Pro248=]GDPRWIGAWW